The following is an entry in ClinVar:

NM_002471.4(MYH6):c.201+2T>C

Genes: MYH6 (myosin heavy chain 6; minus strand), LOC114827851 (VISTA enhancer hs2155; plus strand). Cytogenetic location: 14q11.2.
Variant type: single nucleotide variant.
Coding change: c.201+2T>C on transcript NM_002471.4 (MANE Select); the canonical splice donor site of the intron after coding-DNA position 201, T replaced by C.
Molecular consequence: splice donor variant.
Genome position (GRCh38, 1-based): chr14:23,407,021, A>G on the plus strand (T>C on the coding strand, the complement: MYH6 is on the minus strand). VCF-style: chr14-23407021-A-G. GRCh37 (hg19) VCF-style: chr14-23876230-A-G.
Identifiers: ClinVar variation 3647090 (VCV003647090.2).
Genomic context (GRCh38, chr14:23,407,021, plus strand): 5'-CACCTCTGCATCTTCTTTCCCAGACCTCCTTCCCTTCTGCCCCGGCGCCATGCCCTACTC[A>G]CCTTCCCATTCTCGGTTTCAGCAATGACCTTGCCTCCCTCCCGGGACAAAATCTTGGCTT-3'

ClinVar aggregate classification (germline): Uncertain significance (1 of 4 stars; one submission).

Conditions:
Hypertrophic cardiomyopathy 14. Identifiers: MedGen C2750467, MONDO:0013197, OMIM 613251.

gnomAD v4.1: 2 of 1,608,646 alleles (0.00012%); highest among the groups gnomAD compares: East Asian, 0.0022%; no homozygotes.

Submission:

Labcorp Genetics (formerly Invitae), Labcorp
Classification: Uncertain significance for Hypertrophic cardiomyopathy 14. Last evaluated: 2024-10-30. Review status: criteria provided, single submitter. Criteria: Invitae Variant Classification Sherloc (09022015). Collection method: clinical testing. Allele origin: germline.
Comment: This sequence change affects a donor splice site in intron 3 of the MYH6 gene. It is expected to disrupt RNA splicing. Variants that disrupt the donor or acceptor splice site typically lead to a loss of protein function (PMID: 16199547), however the current clinical and genetic evidence is not sufficient to establish whether loss-of-function variants in MYH6 cause disease. This variant is not present in population databases (gnomAD no frequency). This variant has not been reported in the literature in individuals affected with MYH6-related conditions. Algorithms developed to predict the effect of sequence changes on RNA splicing suggest that this variant may disrupt the consensus splice site. In summary, the available evidence is currently insufficient to determine the role of this variant in disease. Therefore, it has been classified as a Variant of Uncertain Significance.

Literature cited by the submitters: PubMed 16199547.